The following is an entry in ClinVar:

NM_001458.5(FLNC):c.2478C>A (p.Asn826Lys)

Gene: FLNC (filamin C; plus strand). Cytogenetic location: 7q32.1.
Variant type: single nucleotide variant.
Coding change: c.2478C>A on transcript NM_001458.5 (MANE Select); coding-DNA position 2478, C replaced by A.
Protein change: p.Asn826Lys; replaces asparagine 826 with lysine.
Molecular consequence: missense variant.
Genome position (GRCh38, 1-based): chr7:128,842,882, C>A. VCF-style: chr7-128842882-C-A. GRCh37 (hg19) VCF-style: chr7-128482936-C-A.
Other names: c.2478C>A, p.Asn826Lys (NM_001127487.2); short protein forms N826K.
Identifiers: ClinVar variation 1791854 (VCV001791854.6), dbSNP rs756475814, ClinGen allele CA369191733.

ClinVar aggregate classification (germline): Uncertain significance. Review status: criteria provided, multiple submitters, no conflicts (2 of 4 stars). 2 submissions from 2 submitters: Uncertain significance (2). Last evaluated 2025-11-15.

Conditions:
Myofibrillar myopathy 5. Also called: Filaminopathy (type); FILAMINOPATHY, AUTOSOMAL DOMINANT. Identifiers: Orphanet 171445, MedGen C1836050, MONDO:0012289, OMIM 609524.
Distal myopathy with posterior leg and anterior hand involvement. Also called: WILLIAMS DISTAL MYOPATHY. Identifiers: Orphanet 63273, MedGen C3279722, MONDO:0013550, OMIM 614065.
Hypertrophic cardiomyopathy 26. Also called: Cardiomyopathy, familial hypertrophic, 26. Identifiers: Orphanet 75249, MedGen C4310749, MONDO:0014883, OMIM 617047.
Cardiovascular phenotype. Identifiers: MedGen CN230736.

Submissions (2):

Ambry Genetics
Classification: Uncertain significance for Cardiovascular phenotype. Last evaluated: 2025-11-15. Review status: criteria provided, single submitter. Criteria: Ambry Variant Classification Scheme 2023. Collection method: clinical testing. Allele origin: germline.
Comment: The p.N826K variant (also known as c.2478C>A), located in coding exon 16 of the FLNC gene, results from a C to A substitution at nucleotide position 2478. The asparagine at codon 826 is replaced by lysine, an amino acid with similar properties. This amino acid position is conserved. In addition, the in silico prediction for this alteration is inconclusive. Since supporting evidence is limited at this time, the clinical significance of this alteration remains unclear.

Labcorp Genetics (formerly Invitae), Labcorp
Classification: Uncertain significance for Distal myopathy with posterior leg and anterior hand involvement; Myofibrillar myopathy 5; Hypertrophic cardiomyopathy 26. Last evaluated: 2025-09-23. Review status: criteria provided, single submitter. Criteria: Invitae Variant Classification Sherloc (09022015). Collection method: clinical testing. Allele origin: germline.
Comment: This sequence change replaces asparagine, which is neutral and polar, with lysine, which is basic and polar, at codon 826 of the FLNC protein (p.Asn826Lys). This variant is not present in population databases (gnomAD no frequency). This variant has not been reported in the literature in individuals affected with FLNC-related conditions. ClinVar contains an entry for this variant (Variation ID: 1791854). Invitae Evidence Modeling of protein sequence and biophysical properties (such as structural, functional, and spatial information, amino acid conservation, physicochemical variation, residue mobility, and thermodynamic stability) has been performed for this missense variant. However, the output from this modeling did not meet the statistical confidence thresholds required to predict the impact of this variant on FLNC protein function. In summary, the available evidence is currently insufficient to determine the role of this variant in disease. Therefore, it has been classified as a Variant of Uncertain Significance.